The following is an entry in ClinVar:

NM_018129.4(PNPO):c.488A>G (p.Lys163Arg)

Gene: PNPO (pyridoxamine 5'-phosphate oxidase; plus strand). Cytogenetic location: 17q21.32.
Variant type: single nucleotide variant.
Coding change: c.488A>G on transcript NM_018129.4 (MANE Select); coding-DNA position 488, A replaced by G.
Protein change: p.Lys163Arg; replaces lysine 163 with arginine.
Molecular consequence: missense variant.
Genome position (GRCh38, 1-based): chr17:47,945,931, A>G. VCF-style: chr17-47945931-A-G. GRCh37 (hg19) VCF-style: chr17-46023297-A-G.
Other names: short protein forms K163R.
Identifiers: ClinVar variation 1315128 (VCV001315128.7), dbSNP rs745757220, ClinGen allele CA8629206.

ClinVar aggregate classification (germline): Uncertain significance. Review status: criteria provided, multiple submitters, no conflicts (2 of 4 stars). 3 submissions from 3 submitters: Uncertain significance (3). Last evaluated 2024-08-12.

Conditions:
Inborn genetic diseases. Identifiers: MedGen C0950123, MeSH D030342.
Pyridoxal phosphate-responsive seizures (PNPOD). Also called: Pyridoxamine 5-Prime-Phosphate Oxidase Deficiency; Pyridoxine-5'-phosphate oxidase deficiency; Pyridoxal 5'-Phosphate (PLP)-Dependent Epilepsy; EPILEPTIC ENCEPHALOPATHY, NEONATAL, PNPO-RELATED; SEIZURES, PYRIDOXINE-RESISTANT, PLP-SENSITIVE. Identifiers: Orphanet 79096, MedGen C1864723, MONDO:0012407, OMIM 610090. Disease mechanism: loss of function.

Allele frequency attached by ClinVar (database versions not stated): gnomAD 0.00001; gnomAD exomes 0.00001 and 0.00004; ExAC 0.00003.

Submissions (3):

Ambry Genetics
Classification: Uncertain significance for Inborn genetic diseases. Last evaluated: 2024-08-12. Review status: criteria provided, single submitter. Criteria: Ambry Variant Classification Scheme 2023. Collection method: clinical testing. Allele origin: germline.

GeneDx
Classification: Uncertain significance. Last evaluated: 2024-02-06. Review status: criteria provided, single submitter. Criteria: GeneDx Variant Classification Process June 2021. Collection method: clinical testing. Allele origin: germline. Affected: yes.
Comment: In silico analysis supports that this missense variant does not alter protein structure/function; Has not been previously published as pathogenic or benign to our knowledge; In silico analysis suggests this variant may impact gene splicing. In the absence of RNA/functional studies, the actual effect of this sequence change is unknown.

Labcorp Genetics (formerly Invitae), Labcorp
Classification: Uncertain significance for Pyridoxal phosphate-responsive seizures. Last evaluated: 2021-11-28. Review status: criteria provided, single submitter. Criteria: Invitae Variant Classification Sherloc (09022015). Collection method: clinical testing. Allele origin: germline.
Comment: This sequence change replaces lysine, which is basic and polar, with arginine, which is basic and polar, at codon 163 of the PNPO protein (p.Lys163Arg). This variant is present in population databases (rs745757220, gnomAD 0.03%). This variant has not been reported in the literature in individuals affected with PNPO-related conditions. ClinVar contains an entry for this variant (Variation ID: 1315128). Algorithms developed to predict the effect of missense changes on protein structure and function (SIFT, PolyPhen-2, Align-GVGD) all suggest that this variant is likely to be tolerated. Algorithms developed to predict the effect of sequence changes on RNA splicing suggest that this variant may create or strengthen a splice site. In summary, the available evidence is currently insufficient to determine the role of this variant in disease. Therefore, it has been classified as a Variant of Uncertain Significance.